The following is an entry in ClinVar:

NM_015274.3(MAN2B2):c.808G>A (p.Val270Met)

Gene: MAN2B2 (mannosidase alpha class 2B member 2; plus strand). Cytogenetic location: 4p16.1.
Variant type: single nucleotide variant.
Coding change: c.808G>A on transcript NM_015274.3 (MANE Select); coding-DNA position 808, G replaced by A.
Protein change: p.Val270Met; replaces valine 270 with methionine.
Molecular consequence: missense variant. On other transcripts: intron variant (1).
Genome position (GRCh38, 1-based): chr4:6,593,300, G>A. VCF-style: chr4-6593300-G-A. GRCh37 (hg19) VCF-style: chr4-6595027-G-A.
Other names: c.792+16G>A (NM_001292038.2); short protein forms V270M.
Identifiers: ClinVar variation 2384004 (VCV002384004.4), dbSNP rs138594946, ClinGen allele CA2840688.
Genomic context (GRCh38, chr4:6,593,300, plus strand): 5'-ATGAGTGAGCCTGTCACCCCAGCCAACATCAACCTCTATGCCGAGGCCCTGGTGGCCAAC[G>A]TGAAGCAGAGGGCCGCCTGGTTCCGGACACCGCACGTCCTCTGGCCCTGGGTAAGGCAGA-3'
Protein context (NP_056089.1, residues 260-280): NLYAEALVAN[Val270Met]KQRAAWFRTP

ClinVar aggregate classification (germline): Uncertain significance. Review status: criteria provided, multiple submitters, no conflicts (2 of 4 stars). 2 submissions from 2 submitters: Uncertain significance (2). Last evaluated 2025-06-24.

Allele frequency attached by ClinVar (database versions not stated): ExAC 0.00012; 1000 Genomes Project 30x 0.00016; 1000 Genomes Project 0.00020; ESP Exome Variant Server 0.00023; TOPMed 0.00029; gnomAD 0.00030.

Submissions (2):

Ambry Genetics
Classification: Uncertain significance. Last evaluated: 2025-06-24. Review status: criteria provided, single submitter. Criteria: Ambry Variant Classification Scheme 2023. Collection method: clinical testing. Allele origin: germline.

Women's Health and Genetics/Laboratory Corporation of America, LabCorp
Classification: Uncertain significance. Last evaluated: 2025-05-09. Review status: criteria provided, single submitter. Criteria: LabCorp Variant Classification Summary - May 2015. Collection method: clinical testing. Allele origin: germline.
Comment: Variant summary: MAN2B2 c.808G>A (p.Val270Met) results in a conservative amino acid change in the encoded protein sequence. Algorithms developed to predict the effect of missense changes on protein structure and function are either unavailable or do not agree on the potential impact of this missense change. The variant allele was found at a frequency of 8.4e-05 in 249732 control chromosomes. This frequency is not significantly higher than estimated for a pathogenic variant in MAN2B2 causing MAN2B2 Deficiency, allowing no conclusion about variant significance. To our knowledge, no occurrence of c.808G>A in individuals affected with MAN2B2 Deficiency and no experimental evidence demonstrating its impact on protein function have been reported. ClinVar contains an entry for this variant (Variation ID: 2384004). Based on the evidence outlined above, the variant was classified as uncertain significance.